The following is an entry in ClinVar:

NM_016148.5(SHANK1):c.5441dup (p.Pro1815fs)

Gene: SHANK1 (SH3 and multiple ankyrin repeat domains 1; minus strand). Cytogenetic location: 19q13.33.
Variant type: Duplication.
Coding change: c.5441dup on transcript NM_016148.5 (MANE Select); coding-DNA position 5441, one base duplicated (G; older notation c.5441dupG).
Protein change: p.Pro1815fs; shifts the reading frame from proline 1815.
Molecular consequence: frameshift variant.
Genome position (GRCh38, 1-based): chr19:50,666,519, C duplicated on the plus strand (G on the coding strand, the reverse complement: SHANK1 is on the minus strand); the first of 6 consecutive C bases (chr19:50,666,519-50,666,524); duplicating any one gives the same sequence. VCF-style (leftmost placement, unchanged base first): chr19-50666518-A-AC. GRCh37 (hg19) VCF-style: chr19-51169775-A-AC.
Other names: short protein forms P1815fs.
Identifiers: ClinVar variation 2650355 (VCV002650355.24), dbSNP rs2513874357, ClinGen allele CA2586609563.
Genomic context (GRCh38, chr19:50,666,518, plus strand): 5'-GGGCAGAGAGGAGGCCGTCGGCAAGGGCACCGGTGGGACTTCTGGCTCTACAGCCACCGG[A>AC]CCCCCCGCCACGCCTGCCGTGGGGGGTCCTGAACAAGCACGCAGGGCCAGCAGCCCATCG-3'

ClinVar aggregate classification (germline): Uncertain significance (1 of 4 stars; one submission).

Submission:

CeGaT Center for Human Genetics Tuebingen
Classification: Uncertain significance. Last evaluated: 2023-07-01. Review status: criteria provided, single submitter. Criteria: CeGaT Center For Human Genetics Tuebingen Variant Classification Criteria Version 2. Collection method: clinical testing. Allele origin: germline. Affected: yes. Observed: 1 variant allele.
Comment: SHANK1: PM2